The following is an entry in ClinVar:

ClinVar aggregate classification (germline): Uncertain significance. Review status: criteria provided, multiple submitters, no conflicts (2 of 4 stars). 2 submissions from 2 submitters: Uncertain significance (2). Last evaluated 2025-07-15.

Conditions:
Inborn genetic diseases. Identifiers: MedGen C0950123, MeSH D030342.

Allele frequency attached by ClinVar (database versions not stated): gnomAD exomes below 0.00001.
gnomAD v4.1: 5 of 1,583,930 alleles (0.00032%); highest among the groups gnomAD compares: Admixed American, 0.0019%; no homozygotes.

Submissions (2):

Ambry Genetics
Classification: Uncertain significance for Inborn genetic diseases. Last evaluated: 2025-07-15. Review status: criteria provided, single submitter. Criteria: Ambry Variant Classification Scheme 2023. Collection method: clinical testing. Allele origin: germline.

GeneDx
Classification: Uncertain significance. Last evaluated: 2019-08-07. Review status: criteria provided, single submitter. Criteria: GeneDx Variant Classification Process June 2021. Collection method: clinical testing. Allele origin: germline. Affected: yes.
Comment: Not observed in large population cohorts (Lek et al., 2016); In silico analysis, which includes protein predictors and evolutionary conservation, supports that this variant does not alter protein structure/function; Has not been previously published as pathogenic or benign to our knowledge

NM_001348323.3(TRIP12):c.1156A>G (p.Lys386Glu)

Gene: TRIP12 (thyroid hormone receptor interactor 12; minus strand). Cytogenetic location: 2q36.3.
Variant type: single nucleotide variant.
Coding change: c.1156A>G on transcript NM_001348323.3 (MANE Select); coding-DNA position 1156, A replaced by G.
Protein change: p.Lys386Glu; replaces lysine 386 with glutamic acid.
Molecular consequence: missense variant.
Genome position (GRCh38, 1-based): chr2:229,836,962, T>C on the plus strand (A>G on the coding strand, the complement: TRIP12 is on the minus strand). VCF-style: chr2-229836962-T-C. GRCh37 (hg19) VCF-style: chr2-230701678-T-C.
Other names: c.1156A>G, p.Lys386Glu (NM_001348320.2, NM_001348321.1, NM_001348322.1 and 13 more transcripts); c.1030A>G, p.Lys344Glu (NM_001348331.1, NM_004238.3, NM_001284215.2 and 3 more transcripts); c.1069A>G, p.Lys357Glu (NM_001348332.1, NM_001348334.1); c.121A>G, p.Lys41Glu (NM_001284216.2); c.1030A>G (NM_004238.1); short protein forms K344E, K357E, K386E, K41E.
Identifiers: ClinVar variation 1307634 (VCV001307634.3), dbSNP rs1356058645, ClinGen allele CA350884977.